The following is an entry in ClinVar:

NM_000487.6(ARSA):c.1399C>T (p.Gln467Ter)

Gene: ARSA (arylsulfatase A; minus strand). Cytogenetic location: 22q13.33.
Variant type: single nucleotide variant.
Coding change: c.1399C>T on transcript NM_000487.6 (MANE Select); coding-DNA position 1399, C replaced by T.
Protein change: p.Gln467Ter; replaces glutamine 467 with a stop codon.
Molecular consequence: nonsense.
Genome position (GRCh38, 1-based): chr22:50,625,276, G>A on the plus strand (C>T on the coding strand, the complement: ARSA is on the minus strand). VCF-style: chr22-50625276-G-A. GRCh37 (hg19) VCF-style: chr22-51063704-G-A.
Other names: c.1399C>T, p.Gln467Ter (NM_001085425.3, NM_001085426.3, NM_001085427.3); c.1141C>T, p.Gln381Ter (NM_001085428.3, NM_001362782.2); c.1399C>T (NM_000487.5); short protein forms Q381*, Q467*.
Identifiers: ClinVar variation 1999902 (VCV001999902.6), dbSNP rs2518321662, ClinGen allele CA412167900.

ClinVar aggregate classification (germline): Pathogenic/Likely pathogenic. Review status: criteria provided, multiple submitters, no conflicts (2 of 4 stars). 2 submissions from 2 submitters: Pathogenic (1); Likely pathogenic (1). Last evaluated 2022-11-17.

Conditions:
Metachromatic leukodystrophy (MLD). Also called: Arylsulfatase A Deficiency; Cerebral sclerosis diffuse metachromatic form; ARSA DEFICIENCY; CEREBROSIDE SULFATASE DEFICIENCY; METACHROMATIC LEUKOENCEPHALOPATHY; SULFATIDE LIPIDOSIS. Identifiers: Orphanet 512, MedGen C0023522, MONDO:0018868, OMIM 250100.
ARSA-related disorder. Also called: ARSA-related condition.

Allele frequency attached by ClinVar (database versions not stated): gnomAD exomes below 0.00001.

Submissions (2):

PreventionGenetics, part of Exact Sciences
Classification: Likely pathogenic for ARSA-related condition. Last evaluated: 2022-11-17. Review status: criteria provided, single submitter. Criteria: ACMG Guidelines, 2015. Collection method: clinical testing. Allele origin: germline.
Comment: The ARSA c.1399C>T variant is predicted to result in premature protein termination (p.Gln467*). To our knowledge, this variant has not been reported in the literature or in a large population database, indicating this variant is rare. Nonsense variants in ARSA are expected to be pathogenic. This variant is interpreted as likely pathogenic.

Labcorp Genetics (formerly Invitae), Labcorp
Classification: Pathogenic for Metachromatic leukodystrophy. Last evaluated: 2022-05-28. Review status: criteria provided, single submitter. Criteria: Invitae Variant Classification Sherloc (09022015). Collection method: clinical testing. Allele origin: germline.
Comment: For these reasons, this variant has been classified as Pathogenic. This variant disrupts a region of the ARSA protein in which other variant(s) (p.Cys491Gly) have been determined to be pathogenic (PMID: 15026521; Invitae). This suggests that this is a clinically significant region of the protein, and that variants that disrupt it are likely to be disease-causing. This variant has not been reported in the literature in individuals affected with ARSA-related conditions. This variant is not present in population databases (gnomAD no frequency). This sequence change creates a premature translational stop signal (p.Gln467*) in the ARSA gene. While this is not anticipated to result in nonsense mediated decay, it is expected to disrupt the last 43 amino acid(s) of the ARSA protein.

Literature cited by the submitters: PubMed 15026521 (cited by Labcorp Genetics (formerly Invitae), Labcorp).